The following is an entry in ClinVar:

ClinVar aggregate classification (germline): Uncertain significance (1 of 4 stars; one submission).

Allele frequency attached by ClinVar (database versions not stated): gnomAD exomes below 0.00001.
gnomAD v4.1: 2 of 1,614,134 alleles (0.00012%); highest among the groups gnomAD compares: Admixed American, 0.0033%; no homozygotes.

Submission:

Labcorp Genetics (formerly Invitae), Labcorp
Classification: Uncertain significance. Last evaluated: 2022-05-07. Review status: criteria provided, single submitter. Criteria: Invitae Variant Classification Sherloc (09022015). Collection method: clinical testing. Allele origin: germline.
Comment: In summary, the available evidence is currently insufficient to determine the role of this variant in disease. Therefore, it has been classified as a Variant of Uncertain Significance. Advanced modeling of protein sequence and biophysical properties (such as structural, functional, and spatial information, amino acid conservation, physicochemical variation, residue mobility, and thermodynamic stability) performed at Invitae indicates that this missense variant is not expected to disrupt ANO6 protein function. This variant has not been reported in the literature in individuals affected with ANO6-related conditions. This variant is not present in population databases (gnomAD no frequency). This sequence change replaces isoleucine, which is neutral and non-polar, with threonine, which is neutral and polar, at codon 776 of the ANO6 protein (p.Ile776Thr).

NM_001025356.3(ANO6):c.2327T>C (p.Ile776Thr)

Gene: ANO6 (anoctamin 6; plus strand). Cytogenetic location: 12q12.
Variant type: single nucleotide variant.
Coding change: c.2327T>C on transcript NM_001025356.3 (MANE Select); coding-DNA position 2327, T replaced by C.
Protein change: p.Ile776Thr; replaces isoleucine 776 with threonine.
Molecular consequence: missense variant.
Genome position (GRCh38, 1-based): chr12:45,421,180, T>C. VCF-style: chr12-45421180-T-C. GRCh37 (hg19) VCF-style: chr12-45814963-T-C.
Other names: c.2273T>C, p.Ile758Thr (NM_001142678.2); c.2327T>C, p.Ile776Thr (NM_001142679.2); c.2390T>C, p.Ile797Thr (NM_001204803.2); c.2294T>C, p.Ile765Thr (NM_001410973.1); short protein forms I765T, I797T, I758T, I776T.
Identifiers: ClinVar variation 1926335 (VCV001926335.4), dbSNP rs935007740, ClinGen allele CA236405825.